The following is an entry in ClinVar:

ClinVar aggregate classification (germline): Likely pathogenic. Review status: criteria provided, multiple submitters, no conflicts (2 of 4 stars). 2 submissions from 2 submitters: Likely pathogenic (2). Last evaluated 2026-01-19.

Conditions:
Hereditary spastic paraplegia 11. Also called: Spastic Paraplegia 11; SPASTIC PARAPLEGIA, AUTOSOMAL RECESSIVE, COMPLICATED, WITH THIN CORPUS CALLOSUM; SPASTIC PARAPLEGIA, AUTOSOMAL RECESSIVE, WITH MENTAL IMPAIRMENT AND THIN CORPUS CALLOSUM; Nakamura Osame syndrome; Autosomal recessive hereditary spastic paraplegia, mental impairment, and thin corpus callosum; Spastic paraplegia, mental retardation and thin corpus callosum. Identifiers: Orphanet 2822, MedGen C1858479, MONDO:0011445, OMIM 604360.

gnomAD v4.1: 5 of 1,599,914 alleles (0.00031%); highest among the groups gnomAD compares: South Asian, 0.0022%; no homozygotes.

Submissions (3):

Labcorp Genetics (formerly Invitae), Labcorp
Classification: Likely pathogenic for Hereditary spastic paraplegia 11. Last evaluated: 2026-01-19. Review status: criteria provided, single submitter. Criteria: Invitae Variant Classification Sherloc (09022015). Collection method: clinical testing. Allele origin: germline.
Comment: This sequence change affects an acceptor splice site in intron 16 of the SPG11 gene. It is expected to disrupt RNA splicing. Variants that disrupt the donor or acceptor splice site typically lead to a loss of protein function (PMID: 16199547), and loss-of-function variants in SPG11 are known to be pathogenic (PMID: 19105190, 20110243, 22154821, 26556829). This variant is present in population databases (no rsID available, gnomAD 0.007%). This variant has not been reported in the literature in individuals affected with SPG11-related conditions. ClinVar contains an entry for this variant (Variation ID: 3703226). Algorithms developed to predict the effect of sequence changes on RNA splicing suggest that this variant may disrupt the consensus splice site. In summary, the currently available evidence indicates that the variant is pathogenic, but additional data are needed to prove that conclusively. Therefore, this variant has been classified as Likely Pathogenic.

Women's Health and Genetics/Laboratory Corporation of America, LabCorp
Classification: Likely pathogenic for Hereditary spastic paraplegia 11. Last evaluated: 2024-12-24. Review status: criteria provided, single submitter. Criteria: LabCorp Variant Classification Summary - May 2015. Collection method: clinical testing. Allele origin: germline.
Comment: Variant summary: SPG11 c.3039-1G>T is located in a canonical splice-site and is predicted to affect mRNA splicing resulting in a significantly altered protein due to either exon skipping, shortening, or inclusion of intronic material. Variants that disrupt the consensus splice site are a relatively common cause of aberrant splicing and loss of SPG11 function. Several computational tools predict a significant impact on normal splicing: Three predict the variant abolishes a 3' acceptor site. However, these predictions have yet to be confirmed by functional studies. The variant was absent in 250526 control chromosomes (gnomAD). To our knowledge, no occurrence of c.3039-1G>T in individuals affected with Hereditary spastic paraplegia 11 and no experimental evidence demonstrating its impact on protein function have been reported. No submitters have cited clinical-significance assessments for this variant to ClinVar. Based on the evidence outlined above, the variant was classified as likely pathogenic.

Dr. Peter K. Rogan Lab, Western University
No classification provided (evidence only). Condition: Familial cancer of breast. Review status: no classification provided. Collection method: in vitro. Allele origin: not applicable. Functional consequence: skipped exon. Not counted in ClinVar's aggregate classification.

Literature cited by the submitters: PubMed 16199547 (cited by Labcorp Genetics (formerly Invitae), Labcorp); PubMed 19105190 (cited by Labcorp Genetics (formerly Invitae), Labcorp); PubMed 20110243 (cited by Labcorp Genetics (formerly Invitae), Labcorp); PubMed 22154821 (cited by Labcorp Genetics (formerly Invitae), Labcorp); PubMed 26556829 (cited by Labcorp Genetics (formerly Invitae), Labcorp).

NM_025137.4(SPG11):c.3039-1G>T

Gene: SPG11 (SPG11 vesicle trafficking associated, spatacsin; minus strand). Cytogenetic location: 15q21.1.
Variant type: single nucleotide variant.
Coding change: c.3039-1G>T on transcript NM_025137.4 (MANE Select); the canonical splice acceptor site of the intron before coding-DNA position 3039, G replaced by T.
Molecular consequence: splice acceptor variant.
Genome position (GRCh38, 1-based): chr15:44,613,537, C>A on the plus strand (G>T on the coding strand, the complement: SPG11 is on the minus strand). VCF-style: chr15-44613537-C-A. GRCh37 (hg19) VCF-style: chr15-44905735-C-A.
Other names: c.3039-1G>T (NM_001411132.1, NM_001160227.2).
Identifiers: ClinVar variation 3703226 (VCV003703226.4).